The following is an entry in ClinVar:

ClinVar aggregate classification (germline): Uncertain significance (1 of 4 stars; one submission).

Submission:

Labcorp Genetics (formerly Invitae), Labcorp
Classification: Uncertain significance. Last evaluated: 2025-09-09. Review status: criteria provided, single submitter. Criteria: Invitae Variant Classification Sherloc (09022015). Collection method: clinical testing. Allele origin: germline.
Comment: This sequence change replaces serine, which is neutral and polar, with proline, which is neutral and non-polar, at codon 888 of the NEFH protein (p.Ser888Pro). This variant is not present in population databases (gnomAD no frequency). This variant has not been reported in the literature in individuals affected with NEFH-related conditions. Invitae Evidence Modeling of protein sequence and biophysical properties (such as structural, functional, and spatial information, amino acid conservation, physicochemical variation, residue mobility, and thermodynamic stability) indicates that this missense variant is not expected to disrupt NEFH protein function with a negative predictive value of 95%. In summary, the available evidence is currently insufficient to determine the role of this variant in disease. Therefore, it has been classified as a Variant of Uncertain Significance.

NM_021076.4(NEFH):c.2662T>C (p.Ser888Pro)

Gene: NEFH (neurofilament heavy chain; plus strand). Cytogenetic location: 22q12.2.
Variant type: single nucleotide variant.
Coding change: c.2662T>C on transcript NM_021076.4 (MANE Select); coding-DNA position 2662, T replaced by C.
Protein change: p.Ser888Pro; replaces serine 888 with proline.
Molecular consequence: missense variant.
Genome position (GRCh38, 1-based): chr22:29,490,302, T>C. VCF-style: chr22-29490302-T-C. GRCh37 (hg19) VCF-style: chr22-29886291-T-C.
Other names: short protein forms S888P.
Identifiers: ClinVar variation 4806218 (VCV004806218.1).
Genomic context (GRCh38, chr22:29,490,302, plus strand): 5'-GAGGCTCCAAAGCCCAAGGTGGAGGAGAAGAAGGAACCTGCTGTCGAAAAGCCCAAAGAA[T>C]CCAAAGTTGAAGCCAAGAAGGAAGAGGCTGAAGATAAGAAAAAAGTCCCCACCCCAGAGA-3'
Protein context (NP_066554.2, residues 878-898): KEPAVEKPKE[Ser888Pro]KVEAKKEEAE